The following is an entry in ClinVar:

NM_002637.4(PHKA1):c.2432C>T (p.Thr811Ile)

Gene: PHKA1 (phosphorylase kinase regulatory subunit alpha 1; minus strand). Cytogenetic location: Xq13.1.
Variant type: single nucleotide variant.
Coding change: c.2432C>T on transcript NM_002637.4 (MANE Select); coding-DNA position 2432, C replaced by T.
Protein change: p.Thr811Ile; replaces threonine 811 with isoleucine.
Molecular consequence: missense variant.
Genome position (GRCh38, 1-based): chrX:72,611,122, G>A on the plus strand (C>T on the coding strand, the complement: PHKA1 is on the minus strand). VCF-style: chrX-72611122-G-A. GRCh37 (hg19) VCF-style: chrX-71830972-G-A.
Other names: c.2432C>T, p.Thr811Ile (NM_001122670.2, NM_001431068.1, NM_001440787.1); c.2255C>T, p.Thr752Ile (NM_001172436.2, NM_001440788.1); short protein forms T752I, T811I.
Identifiers: ClinVar variation 4689594 (VCV004689594.1).

ClinVar aggregate classification (germline): Uncertain significance (1 of 4 stars; one submission).

Submission:

Women's Health and Genetics/Laboratory Corporation of America, LabCorp
Classification: Uncertain significance. Last evaluated: 2026-01-27. Review status: criteria provided, single submitter. Criteria: LabCorp Variant Classification Summary - May 2015. Collection method: clinical testing. Allele origin: germline.
Comment: Variant summary: PHKA1 c.2432C>T (p.Thr811Ile) results in a non-conservative amino acid change in the encoded protein sequence. Algorithms developed to predict the effect of missense changes on protein structure and function are either unavailable or do not agree on the potential impact of this missense change. The variant was absent in 182844 control chromosomes. The available data on variant occurrences in the general population are insufficient to allow any conclusion about variant significance. To our knowledge, no occurrence of c.2432C>T in individuals affected with PHKA1-related conditions and no experimental evidence demonstrating its impact on protein function have been reported. No submitters have cited clinical-significance assessments for this variant to ClinVar. Based on the evidence outlined above, the variant was classified as uncertain significance.